The following is an entry in ClinVar:

NM_000138.5(FBN1):c.3412T>C (p.Cys1138Arg)

Gene: FBN1 (fibrillin 1; minus strand). Cytogenetic location: 15q21.1.
Variant type: single nucleotide variant.
Coding change: c.3412T>C on transcript NM_000138.5 (MANE Select); coding-DNA position 3412, T replaced by C.
Protein change: p.Cys1138Arg; replaces cysteine 1138 with arginine.
Molecular consequence: missense variant.
Genome position (GRCh38, 1-based): chr15:48,487,363, A>G on the plus strand (T>C on the coding strand, the complement: FBN1 is on the minus strand). VCF-style: chr15-48487363-A-G. GRCh37 (hg19) VCF-style: chr15-48779560-A-G.
Other names: short protein forms C1138R.
Identifiers: ClinVar variation 430152 (VCV000430152.3), dbSNP rs1131691806, ClinGen allele CA392326402.

ClinVar aggregate classification (germline): Pathogenic. Review status: criteria provided, single submitter (1 of 4 stars). 2 submissions from 2 submitters: Pathogenic (1). 1 of the submissions does not count toward it. Last evaluated 2022-12-20.

Conditions:
Marfan syndrome (MFS). Also called: MARFAN SYNDROME, TYPE I; FBN1-Related Marfan Syndrome; Marfan syndrome type 1; Marfan's syndrome; Marfan syndrome, classic. Identifiers: Orphanet 284963, Orphanet 558, MedGen C0024796, MONDO:0007947, OMIM 154700.

Submissions (2):

GeneDx
Classification: Pathogenic. Last evaluated: 2022-12-20. Review status: criteria provided, single submitter. Criteria: GeneDx Variant Classification Process June 2021. Collection method: clinical testing. Allele origin: germline. Affected: yes.
Comment: In silico analysis supports that this missense variant has a deleterious effect on protein structure/function; Not observed at significant frequency in large population cohorts (gnomAD); Affects a cysteine residue within a calcium-binding EGF-like domain of the FBN1 gene, which may affect disulfide bonding and is predicted to alter the structure and function of the protein; cysteine substitutions in the calcium-binding EGF-like domains represent the majority of pathogenic missense changes associated with FBN1-related disorders (Collod-Beroud et al., 2003); This variant is associated with the following publications: (PMID: 12938084, 33033378, 19002209, 19293843)

Center for Medical Genetics Ghent, University of Ghent
Classification: Likely pathogenic for Marfan syndrome. Last evaluated: 2017-11-07. Review status: no assertion criteria provided. Collection method: clinical testing. Allele origin: germline. Affected: yes. Not counted in ClinVar's aggregate classification.